The following is an entry in ClinVar:

NM_006767.4(LZTR1):c.384C>G (p.Ser128Arg)

Gene: LZTR1 (leucine zipper like post translational regulator 1; plus strand). Cytogenetic location: 22q11.21.
Variant type: single nucleotide variant.
Coding change: c.384C>G on transcript NM_006767.4 (MANE Select); coding-DNA position 384, C replaced by G.
Protein change: p.Ser128Arg; replaces serine 128 with arginine.
Molecular consequence: missense variant.
Genome position (GRCh38, 1-based): chr22:20,987,567, C>G. VCF-style: chr22-20987567-C-G. GRCh37 (hg19) VCF-style: chr22-21341856-C-G.
Other names: short protein forms S128R.
Identifiers: ClinVar variation 2496793 (VCV002496793.3), dbSNP rs756817158, ClinGen allele CA410779415.

ClinVar aggregate classification (germline): Uncertain significance (1 of 4 stars; one submission).

Conditions:
Hereditary cancer-predisposing syndrome. Also called: Neoplastic Syndromes, Hereditary; Hereditary neoplastic syndrome; Tumor predisposition; Hereditary Cancer Syndrome. Identifiers: Orphanet 140162, MedGen C0027672, MeSH D009386, MONDO:0015356.
Cardiovascular phenotype. Identifiers: MedGen CN230736.

Submission:

Ambry Genetics
Classification: Uncertain significance for Cardiovascular phenotype; Hereditary cancer-predisposing syndrome. Last evaluated: 2025-11-13. Review status: criteria provided, single submitter. Criteria: Ambry Variant Classification Scheme 2023. Collection method: clinical testing. Allele origin: germline.
Comment: The p.S128R variant (also known as c.384C>G), located in coding exon 4 of the LZTR1 gene, results from a C to G substitution at nucleotide position 384. The serine at codon 128 is replaced by arginine, an amino acid with dissimilar properties. This amino acid position is conserved. In addition, the in silico prediction for this alteration is inconclusive. Based on the available evidence, the clinical significance of this variant remains unclear.